The following is an entry in ClinVar:

NM_206933.4(USH2A):c.4943T>C (p.Leu1648Pro)

Genes: USH2A (usherin; minus strand), USH2A-AS2 (USH2A antisense RNA 2; plus strand). Cytogenetic location: 1q41.
Variant type: single nucleotide variant.
Coding change: c.4943T>C on transcript NM_206933.4 (MANE Select); coding-DNA position 4943, T replaced by C.
Protein change: p.Leu1648Pro; replaces leucine 1648 with proline.
Molecular consequence: missense variant. On other transcripts: non-coding transcript variant (2).
Genome position (GRCh38, 1-based): chr1:216,086,763, A>G on the plus strand (T>C on the coding strand, the complement: USH2A is on the minus strand). VCF-style: chr1-216086763-A-G. GRCh37 (hg19) VCF-style: chr1-216260105-A-G.
Other names: short protein forms L1648P.
Identifiers: ClinVar variation 594232 (VCV000594232.13), dbSNP rs1558251712, ClinGen allele CA344859791.

ClinVar aggregate classification (germline): Conflicting classifications of pathogenicity. Review status: criteria provided, conflicting classifications (1 of 4 stars). 5 submissions from 5 submitters: Pathogenic (1); Likely pathogenic (1); Uncertain significance (3). Last evaluated 2025-09-02.

Conditions:
Retinitis pigmentosa 39 (RP39). Identifiers: Orphanet 791, MedGen C3151138, MONDO:0013436, OMIM 613809.
Retinitis pigmentosa (RP). Identifiers: Orphanet 791, MedGen C0035334, MeSH D012174, MONDO:0019200, OMIM 268000. Inheritance: Autosomal dominant, autosomal recessive and X linked inheritance.

Allele frequency attached by ClinVar (database versions not stated): gnomAD exomes below 0.00001; TOPMed 0.00001.
gnomAD v4.1: 2 of 1,613,100 alleles (0.00012%); highest among the groups gnomAD compares: South Asian, 0.0022%; no homozygotes.

Submissions (5):

Labcorp Genetics (formerly Invitae), Labcorp
Classification: Uncertain significance. Last evaluated: 2025-09-02. Review status: criteria provided, single submitter. Criteria: Invitae Variant Classification Sherloc (09022015). Collection method: clinical testing. Allele origin: germline.
Comment: This sequence change replaces leucine, which is neutral and non-polar, with proline, which is neutral and non-polar, at codon 1648 of the USH2A protein (p.Leu1648Pro). This variant is not present in population databases (gnomAD no frequency). This missense change has been observed in individuals with retinitis pigmentosa (PMID: 32531858, 37086329). ClinVar contains an entry for this variant (Variation ID: 594232). Invitae Evidence Modeling of protein sequence and biophysical properties (such as structural, functional, and spatial information, amino acid conservation, physicochemical variation, residue mobility, and thermodynamic stability) has been performed for this missense variant. However, the output from this modeling did not meet the statistical confidence thresholds required to predict the impact of this variant on USH2A protein function. In summary, the available evidence is currently insufficient to determine the role of this variant in disease. Therefore, it has been classified as a Variant of Uncertain Significance.

Women's Health and Genetics/Laboratory Corporation of America, LabCorp
Classification: Uncertain significance. Last evaluated: 2024-07-22. Review status: criteria provided, single submitter. Criteria: LabCorp Variant Classification Summary - May 2015. Collection method: clinical testing. Allele origin: germline.
Comment: Variant summary: USH2A c.4943T>C (p.Leu1648Pro) results in a non-conservative amino acid change located in the Laminin G domain of the encoded protein sequence. Five of five in-silico tools predict a damaging effect of the variant on protein function. The variant was absent in 250732 control chromosomes. The available data on variant occurrences in the general population are insufficient to allow any conclusion about variant significance. c.4943T>C has been reported in the literature in individuals affected with Retinitis pigmentosa (example: Weisschuh_2020). These data do not allow any conclusion about variant significance. To our knowledge, no experimental evidence demonstrating an impact on protein function has been reported. The following publication have been ascertained in the context of this evaluation (PMID: 32531858). ClinVar contains an entry for this variant (Variation ID: 594232). Based on the evidence outlined above, the variant was classified as uncertain significance.

Baylor Genetics
Classification: Likely pathogenic for Retinitis pigmentosa 39. Last evaluated: 2023-07-06. Review status: criteria provided, single submitter. Criteria: ACMG Guidelines, 2015. Collection method: clinical testing. Allele origin: unknown.

Molecular Genetics Laboratory, Institute for Ophthalmic Research
Classification: Pathogenic for Retinitis pigmentosa. Last evaluated: 2020-01-09. Review status: criteria provided, single submitter. Criteria: ACMG Guidelines, 2015. Collection method: research. Allele origin: germline. Affected: yes.

Eurofins Ntd Llc (ga)
Classification: Uncertain significance. Last evaluated: 2017-09-25. Review status: criteria provided, single submitter. Criteria: EGL Classification Definitions 2015. Collection method: clinical testing. Allele origin: germline. Observed: 1 variant allele, 1 heterozygote.

Literature cited by the submitters: PubMed 32531858 (cited by Labcorp Genetics (formerly Invitae), Labcorp and Women's Health and Genetics/Laboratory Corporation of America, LabCorp); PubMed 37086329 (cited by Labcorp Genetics (formerly Invitae), Labcorp).